The following is an entry in ClinVar:

ClinVar aggregate classification (germline): Uncertain significance. Review status: criteria provided, multiple submitters, no conflicts (2 of 4 stars). 2 submissions from 2 submitters: Uncertain significance (2). Last evaluated 2026-09-02.

Conditions:
Inborn genetic diseases. Identifiers: MedGen C0950123, MeSH D030342.
ABCB4-related disorder. Also called: ABCB4-related disorders; ABCB4-related condition.

Submissions (2):

PreventionGenetics, part of Exact Sciences
Classification: Uncertain significance for ABCB4-related condition. Last evaluated: 2026-09-02. Review status: criteria provided, single submitter. Criteria: ACMG Guidelines, 2015. Collection method: clinical testing. Allele origin: germline.
Comment: The ABCB4 c.334_336delGAA variant is predicted to result in an in-frame deletion (p.Glu112del). To our knowledge, this variant has not been reported in the literature. This variant is reported in 0.00088% of alleles in individuals of European (Non-Finnish) descent in gnomAD. At this time, the clinical significance of this variant is uncertain due to the absence of conclusive functional and genetic evidence.

Ambry Genetics
Classification: Uncertain significance for Inborn genetic diseases. Last evaluated: 2022-10-21. Review status: criteria provided, single submitter. Criteria: Ambry Variant Classification Scheme 2023. Collection method: clinical testing. Allele origin: germline.
Comment: The c.334_336delGAA (p.E112del) alteration is located in exon 5 (coding exon 4) of the ABCB4 gene. This alteration consists of an in-frame deletion of 3 nucleotides from nucleotide position 334 to 336, resulting in the deletion of 1 amino acid at codon 112. Based on data from gnomAD, the c.334_336delGAA allele has an overall frequency of <0.001% (1/249792) total alleles studied. The highest observed frequency was 0.001% (1/113132) of European (non-Finnish) alleles. This amino acid position is well conserved in available vertebrate species. Based on insufficient or conflicting evidence, the clinical significance of this alteration remains unclear.

NM_000443.4(ABCB4):c.328GAA[2] (p.Glu112del)

Gene: ABCB4 (ATP binding cassette subfamily B member 4; minus strand). Cytogenetic location: 7q21.12.
Variant type: Microsatellite.
Coding change: c.328GAA[2] on transcript NM_000443.4 (MANE Select); two copies in a row of the 3-base unit GAA starting at c.328; the reference has three copies in a row; one copy, 3 bases deleted.
Protein change: p.Glu112del; deletes glutamic acid 112.
Molecular consequence: inframe deletion.
Genome position (GRCh38, 1-based): chr7:87,454,543-87,454,545, TTC deleted on the plus strand (GAA on the coding strand, the reverse complement: ABCB4 is on the minus strand); deleting any 3 consecutive bases within chr7:87,454,543-87,454,551 gives the same sequence; the position shown is the placement nearest the transcript's 3' end. VCF-style (leftmost placement, unchanged base first): chr7-87454542-TTTC-T. GRCh37 (hg19) VCF-style: chr7-87083858-TTTC-T.
Other names: c.328GAA[2], p.Glu112del (NM_018849.3, NM_018850.3); short protein forms E112del.
Identifiers: ClinVar variation 2310085 (VCV002310085.3), dbSNP rs1562991166, ClinGen allele CA575855469.